The following is an entry in ClinVar:

ClinVar aggregate classification (germline): Pathogenic/Likely pathogenic. Review status: criteria provided, multiple submitters, no conflicts (2 of 4 stars). 27 submissions from 27 submitters: Pathogenic (23); Likely pathogenic (1). 3 of the submissions do not count toward it. Last evaluated 2026-05-04.

Conditions:
LOXHD1-related disorder. Also called: LOXHD1-related condition.
Rare genetic deafness. Identifiers: Orphanet 96210, MedGen C5680250.
Inborn genetic diseases. Identifiers: MedGen C0950123, MeSH D030342.
Nonsyndromic genetic hearing loss. Also called: Nonsyndromic hearing loss and deafness; Nonsyndromic genetic deafness; Non-syndromic genetic deafness. Identifiers: Orphanet 87884, MedGen C5680182, MONDO:0019497.
Autosomal recessive nonsyndromic hearing loss 77. Identifiers: Orphanet 90636, MedGen C2746083, MONDO:0013119, OMIM 613079.

Allele frequency attached by ClinVar (database versions not stated): 1000 Genomes Project 30x 0.00016; 1000 Genomes Project 0.00020; ExAC 0.00058; TOPMed 0.00059; gnomAD 0.00063 and 0.00069; ESP Exome Variant Server 0.00131.
gnomAD v4.1: 1,609 of 1,551,550 alleles (0.1%); highest among the groups gnomAD compares: Non-Finnish European, 0.13%; 1 homozygote.

Submissions 1 to 12 of 27:

PreventionGenetics, part of Exact Sciences
Classification: Pathogenic for LOXHD1-related condition. Last evaluated: 2026-05-04. Review status: criteria provided, single submitter. Criteria: ACMG Guidelines, 2015. Collection method: clinical testing. Allele origin: germline.
Comment: The LOXHD1 c.4480C>T variant is predicted to result in premature protein termination (p.Arg1494*). This variant has been reported to be causative for autosomal recessive nonsyndromic hearing loss (Figure S1, Diaz-Horta et al. 2012. PubMed ID: 23226338; Mori et al 2015. PubMed ID: 25792669; Sheppard et al 2018. PubMed ID: 29907799; Morlet et al. 2021. PubMed ID: 35875410). This variant is reported in 0.11% of alleles in individuals of European (Non-Finnish) descent in gnomAD. Nonsense variants in LOXHD1 are expected to be pathogenic. This variant is interpreted as pathogenic.

Victorian Clinical Genetics Services, Murdoch Childrens Research Institute
Classification: Pathogenic for Autosomal recessive nonsyndromic hearing loss 77. Last evaluated: 2026-04-09. Review status: criteria provided, single submitter. Criteria: ACMG Guidelines, 2015. Collection method: clinical testing. Allele origin: germline. Affected: yes.
Comment: This variant is classified as Pathogenic. Evidence in support of pathogenic classification: Variant is predicted to cause nonsense-mediated decay (NMD) and loss of protein (premature termination codon is located at least 54 nucleotides upstream of the final exon-exon junction); Variant is present in gnomAD <0.01 for a recessive condition (v4: 1607 heterozygote(s), 1 homozygote(s)). - This variant has strong previous evidence of pathogenicity in unrelated individuals. This variant has been classified as pathogenic or likely pathogenic by at least twenty clinical laboratories in ClinVar, and has been reported in the literature in individuals with autosomal recessive deafness (PMIDs: 23226338, 25792669); Other NMD-predicted variants comparable to the one identified in this case have very strong previous evidence for pathogenicity (DECIPHER). Additional information: This variant is heterozygous; This gene is associated with autosomal recessive disease; Loss of function is a known mechanism of disease in this gene and is associated with autosomal recessive deafness 77 (MIM#613079); Inheritance information for this variant is not currently available in this individual.

Labcorp Genetics (formerly Invitae), Labcorp
Classification: Pathogenic. Last evaluated: 2026-01-20. Review status: criteria provided, single submitter. Criteria: Invitae Variant Classification Sherloc (09022015). Collection method: clinical testing. Allele origin: germline.
Comment: This sequence change creates a premature translational stop signal (p.Arg1494*) in the LOXHD1 gene. It is expected to result in an absent or disrupted protein product. Loss-of-function variants in LOXHD1 are known to be pathogenic (PMID: 19732867, 21465660, 25792669). This variant is present in population databases (rs201587138, gnomAD 0.1%), including at least one homozygous and/or hemizygous individual. This premature translational stop signal has been observed in individual(s) with deafness and non syndromic hearing loss (PMID: 22975204, 23226338, 25792669). It has also been observed to segregate with disease in related individuals. This variant is also known as c.1147C>T (Arg383Term). ClinVar contains an entry for this variant (Variation ID: 178396). For these reasons, this variant has been classified as Pathogenic.

Natera, Inc.
Classification: Pathogenic for Autosomal recessive deafness type 77. Last evaluated: 2025-11-03. Review status: criteria provided, single submitter. Criteria: Natera Variant Classification Schema (03/2026). Collection method: clinical testing. Allele origin: germline.
Comment: The c.4480C>T variant in LOXHD1 is a nonsense variant predicted to introduce a stop codon at amino acid 1494. This variant is expected to result in nonsense mediated decay, truncation, or a dysfunctional protein product. This variant is rare in the general population with a frequency below the threshold expected for the associated phenotype(s). This variant has been observed in at least one unaffected individual, with a zygosity that is consistent with the inheritance pattern for the associated condition (in gnomAD and/or literature). This variant has been observed in one or more individuals affected with the associated recessive disease, as either homozygous or compound heterozygous with a second variant (PMID: 31547530). Given the available evidence, this variant is classified as Pathogenic.

Equipe Genetique des Anomalies du Developpement, Université de Bourgogne
Classification: Pathogenic for Autosomal recessive nonsyndromic hearing loss 77. Last evaluated: 2025-10-03. Review status: criteria provided, single submitter. Criteria: ACMG Guidelines, 2015. Collection method: clinical testing. Allele origin: maternal. Affected: yes.
Comment: This is a heterozygous nonsense variant NM_144612.6:c.4480C>T NP_653213.6:p.(Arg1494*) in the gene LOXHD1. This variant is reported once in the homozygous state in the gnomAD v4.1.0 database. It has been classified as pathogenic or likely pathogenic in ClinVar and LOVD and has been previously described in individuals with hearing loss in the homozygous and compound heterozygous state (PMID: 23226338, 25792669). According to current evidence, this variant is considered pathogenic.

First Genomix Gene Laboratory, Genetic Diagnostics Department
Classification: Pathogenic for Autosomal recessive nonsyndromic hearing loss 77. Last evaluated: 2025-03-20. Review status: criteria provided, single submitter. Criteria: ACMG Guidelines, 2015. Collection method: clinical testing. Allele origin: germline. Inheritance: Autosomal recessive inheritance. Affected: no. Observed: 1 variant allele.

Blueprint Genetics
Classification: Pathogenic for LOXHD1-related disorders. Last evaluated: 2024-11-12. Review status: criteria provided, single submitter. Criteria: ACMG Guidelines, 2015. Collection method: clinical testing. Allele origin: germline. Affected: yes. Observed: 5 variant alleles.

Dasa
Classification: Pathogenic for Autosomal recessive nonsyndromic hearing loss 77. Last evaluated: 2024-11-12. Review status: criteria provided, single submitter. Criteria: DASA Assertion Criteria. Collection method: clinical testing. Allele origin: germline.
Comment: NM_001384474.1(LOXHD1):c.4480C>T (p.Arg1494*) is a nonsense variant in LOXHD1 predicted to introduce a premature termination codon and is predicted to result in an absent or altered protein product. Loss of function is an established disease mechanism for LOXHD1-associated disorders. This variant has been recurrently observed in individuals with LOXHD1-related disorders (PMID: 22975204; PMID: 25792669; PMID: 23226338). Also, this variant is rare in population databases. Based on the currently available evidence, this variant is classified as pathogenic.

Institute of Human Genetics, University of Leipzig Medical Center
Classification: Pathogenic for Autosomal recessive nonsyndromic hearing loss 77. Last evaluated: 2024-07-15. Review status: criteria provided, single submitter. Criteria: ACMG Guidelines, 2015. Collection method: clinical testing. Allele origin: unknown. Inheritance: Autosomal recessive inheritance. Affected: yes.
Comment: Criteria applied: PVS1,PM3_STR

Ambry Genetics
Classification: Pathogenic for Inborn genetic diseases. Last evaluated: 2024-06-06. Review status: criteria provided, single submitter. Criteria: Ambry Variant Classification Scheme 2023. Collection method: clinical testing. Allele origin: germline.
Comment: The c.4480C>T (p.R1494*) alteration, located in exon 29 (coding exon 29) of the LOXHD1 gene, consists of a C to T substitution at nucleotide position 4480. This changes the amino acid from a arginine (R) to a stop codon at amino acid position 1494. This alteration is expected to result in loss of function by premature protein truncation or nonsense-mediated mRNA decay. Based on data from gnomAD, the T allele has an overall frequency of 0.065% (124/190118) total alleles studied. The highest observed frequency was 0.115% (88/76620) of European (non-Finnish) alleles. This variant has been identified in the homozygous state and in trans with another LOXHD1 variant in individuals with varying severities of sensorineural hearing loss (Diaz-Horta, 2012; Mori, 2015; Garc&iacute;a-Garc&iacute;a, 2020). Based on the available evidence, this alteration is classified as pathogenic.

Fulgent Genetics
Classification: Pathogenic for Autosomal recessive nonsyndromic hearing loss 77. Last evaluated: 2024-04-10. Review status: criteria provided, single submitter. Criteria: ACMG Guidelines, 2015. Collection method: clinical testing. Allele origin: germline.

Daryl Scott Lab, Baylor College of Medicine
Classification: Pathogenic for Autosomal recessive nonsyndromic hearing loss 77. Last evaluated: 2024-01-01. Review status: criteria provided, single submitter. Criteria: ACMG Guidelines, 2015. Collection method: clinical testing. Allele origin: paternal. Observed: 1 heterozygote.
Comment: PVS1, PS4, PM3, PP1, BS1

NM_001384474.1(LOXHD1):c.4480C>T (p.Arg1494Ter)

Gene: LOXHD1 (lipoxygenase homology PLAT domains 1; minus strand). Cytogenetic location: 18q21.1.
Variant type: single nucleotide variant.
Coding change: c.4480C>T on transcript NM_001384474.1 (MANE Select); coding-DNA position 4480, C replaced by T.
Protein change: p.Arg1494Ter; replaces arginine 1494 with a stop codon.
Molecular consequence: nonsense.
Genome position (GRCh38, 1-based): chr18:46,529,227, G>A on the plus strand (C>T on the coding strand, the complement: LOXHD1 is on the minus strand). VCF-style: chr18-46529227-G-A. GRCh37 (hg19) VCF-style: chr18-44109190-G-A.
Other names: c.1147C>T, p.Arg383Ter (NM_001145472.3); c.859C>T, p.Arg287Ter (NM_001308013.2); c.4480C>T, p.Arg1494Ter (NM_144612.7); short protein forms R1494*, R383*, R287*.
Identifiers: ClinVar variation 178396 (VCV000178396.101), dbSNP rs201587138, ClinGen allele CA273544.